The following is an entry in ClinVar:

NM_000132.4(F8):c.5303G>A (p.Arg1768His)

Gene: F8 (coagulation factor VIII; minus strand). Cytogenetic location: Xq28.
Variant type: single nucleotide variant.
Coding change: c.5303G>A on transcript NM_000132.4 (MANE Select); coding-DNA position 5303, G replaced by A.
Protein change: p.Arg1768His; replaces arginine 1768 with histidine.
Molecular consequence: missense variant.
Genome position (GRCh38, 1-based): chrX:154,906,490, C>T on the plus strand (G>A on the coding strand, the complement: F8 is on the minus strand). VCF-style: chrX-154906490-C-T. GRCh37 (hg19) VCF-style: chrX-154134765-C-T.
Other names: NM_000132.4(F8):c.5303G>A; p.Arg1768His; short protein forms R1768H.
Identifiers: ClinVar variation 627328 (VCV000627328.5), dbSNP rs151202877, ClinGen allele CA10568007.
Genomic context (GRCh38, chrX:154,906,490, plus strand): 5'-TCTTCAACTTCTGCTCTTATATATGGCCCCAGGAGTCCCAAATGTTCATTTAGTTCTCCA[C>T]GGTATAAGGGCTGAGTAAAGGAGCCATCAGTAAATTCCTGGAAAACAACTTTCTTGAACT-3'
Protein context (NP_000123.1, residues 1758-1778): TDGSFTQPLY[Arg1768His]GELNEHLGLL

ClinVar aggregate classification (germline): Pathogenic. Review status: reviewed by expert panel (3 of 4 stars). 3 submissions from 3 submitters: Pathogenic (1). 2 of the submissions do not count toward it. Last evaluated 2024-02-09.

Conditions:
Abnormal bleeding. Also called: Bleeding diathesis. Identifiers: MedGen C1458140, HP:0001892.
Hereditary factor VIII deficiency disease (HEMA). Also called: Hemophilia A, congenital; HEM A; Factor 8 deficiency, congenital; Hemophilia A; HEMOPHILIA, CLASSIC; AUTOSOMAL HEMOPHILIA A. Identifiers: Orphanet 98878, MedGen C0019069, MONDO:0010602, OMIM 306700.

Allele frequency attached by ClinVar (database versions not stated): gnomAD exomes below 0.00001 and 0.00001; ExAC 0.00001; TOPMed 0.00002; ESP Exome Variant Server 0.00009.
gnomAD v4.1: 3 of 1,209,360 alleles (0.00025%); highest among the groups gnomAD compares: East Asian, 0.003%; no homozygotes.

Submissions (3):

ClinGen Coagulation Factor Deficiency Variant Curation Expert Panel, Clingen
Classification: Pathogenic for Hereditary factor VIII deficiency disease. Last evaluated: 2024-02-09. Review status: reviewed by expert panel. Criteria: ClinGen CoagFactor ACMG Specifications F8 V1.0.0. Collection method: curation. Allele origin: germline. Inheritance: X-linked inheritance.
Comment: The c.5303G>A (p.Arg1768His) variant is completely absent from gnomAD v2.1.1 and v3.1.1, which meets PM2_Supporting. This missense variant has a REVEL score of 0.819 and meets PP3 criteria (threshold >0.6). At least 7 patients are reported in the literature with mild hemophilia A, meeting F8 phenotype criteria for PP4_Moderate and PS4 (PMID: 29296726, 17222201, 12871415, 21166991, 16972227, 24452774). This variant is known to have discrepant factor VIII levels, with chromogenic (two-stage) being 2-fold lower than one-stage assay levels (EAHAD database, PMID: 32232366). Finally, a COS-1 cell line was used to demonstrate decreased factor VIII activity and antigen levels (PMID: 30997536). In summary, this variant meets criteria to be classified as pathogenic. ACMG/AMP criteria applied, as specified by the Coagulation Factor Deficiency Variant Curation Expert Panel for F8: PS3, PS4, PM2_Supporting, PP3, PP4_Moderate.

Women's Health and Genetics/Laboratory Corporation of America, LabCorp
Classification: Pathogenic for Hereditary factor VIII deficiency disease. Last evaluated: 2024-04-25. Review status: criteria provided, single submitter. Criteria: LabCorp Variant Classification Summary - May 2015. Collection method: clinical testing. Allele origin: germline. Not counted in ClinVar's aggregate classification.
Comment: Variant summary: F8 c.5303G>A (p.Arg1768His) results in a non-conservative amino acid change in the encoded protein sequence. Four of five in-silico tools predict a damaging effect of the variant on protein function. The variant allele was found at a frequency of 5.5e-06 in 183150 control chromosomes. c.5303G>A has been reported in the literature in multiple individuals affected with Factor VIII Deficiency (Hemophilia A) (examples: Downes_2019, Eckhardt_2013, Habart_2003, Miller_2012, Trossaert_2011). These data indicate that the variant is very likely to be associated with disease. At least one publication reports experimental evidence evaluating an impact on protein function. In vitro analysis showed a decrease in factor VIII acitivty and antigen levels (Pezeshkpoor_2019). The following publications have been ascertained in the context of this evaluation (PMID: 31064749, 23926300, 12871415, 22103590, 30997536, 21166991). ClinVar contains an entry for this variant (Variation ID: 627328). Based on the evidence outlined above, the variant was classified as pathogenic.

NIHR Bioresource Rare Diseases, University of Cambridge
Classification: Likely pathogenic for Abnormal bleeding. Last evaluated: 2019-02-01. Review status: criteria provided, single submitter. Criteria: ACMG Guidelines, 2015. Collection method: research. Allele origin: unknown. Affected: yes. Observed: 1 hemizygote. Study: ThromboGenomics. Not counted in ClinVar's aggregate classification.

Literature cited by the submitters: PubMed 31064749 (cited by Women's Health and Genetics/Laboratory Corporation of America, LabCorp and NIHR Bioresource Rare Diseases, University of Cambridge); PubMed 23926300 (cited by Women's Health and Genetics/Laboratory Corporation of America, LabCorp); PubMed 22103590 (cited by Women's Health and Genetics/Laboratory Corporation of America, LabCorp); PubMed 12871415 (cited by Women's Health and Genetics/Laboratory Corporation of America, LabCorp); PubMed 30997536 (cited by Women's Health and Genetics/Laboratory Corporation of America, LabCorp); PubMed 21166991 (cited by Women's Health and Genetics/Laboratory Corporation of America, LabCorp).